The following is an entry in ClinVar:

ClinVar aggregate classification (germline): Uncertain significance (1 of 4 stars; one submission).

Conditions:
Immunodeficiency 104. Also called: SCID, AUTOSOMAL RECESSIVE, T CELL-NEGATIVE, B CELL-POSITIVE, NK CELL-POSITIVE; IMMUNODEFICIENCY 104, SEVERE COMBINED; Severe combined immunodeficiency, autosomal recessive, T cell-negative, B cell-positive, NK cell-positive; Severe Combined Immune Deficiency, Autosomal Recessive, TCell -Negative, B Cell-Positive, NK Cell-Positive, IL7R-Related. Identifiers: MedGen C5676890, MONDO:0012163, OMIM 608971.

gnomAD v4.1: 1 of 1,608,310 alleles (0.000062%); highest among the groups gnomAD compares: Non-Finnish European, 0.000085%; no homozygotes.

Submission:

Labcorp Genetics (formerly Invitae), Labcorp
Classification: Uncertain significance for Immunodeficiency 104. Last evaluated: 2023-08-30. Review status: criteria provided, single submitter. Criteria: Invitae Variant Classification Sherloc (09022015). Collection method: clinical testing. Allele origin: germline.
Comment: This sequence change replaces aspartic acid, which is acidic and polar, with valine, which is neutral and non-polar, at codon 981 of the PTPRC protein (p.Asp981Val). This variant is not present in population databases (gnomAD no frequency). This variant has not been reported in the literature in individuals affected with PTPRC-related conditions. ClinVar contains an entry for this variant (Variation ID: 2001224). An algorithm developed to predict the effect of missense changes on protein structure and function (PolyPhen-2) suggests that this variant is likely to be disruptive. In summary, the available evidence is currently insufficient to determine the role of this variant in disease. Therefore, it has been classified as a Variant of Uncertain Significance.

NM_002838.5(PTPRC):c.2942A>T (p.Asp981Val)

Gene: PTPRC (protein tyrosine phosphatase receptor type C; plus strand). Cytogenetic location: 1q32.1.
Variant type: single nucleotide variant.
Coding change: c.2942A>T on transcript NM_002838.5 (MANE Select); coding-DNA position 2942, A replaced by T.
Protein change: p.Asp981Val; replaces aspartic acid 981 with valine.
Molecular consequence: missense variant.
Genome position (GRCh38, 1-based): chr1:198,749,419, A>T. VCF-style: chr1-198749419-A-T. GRCh37 (hg19) VCF-style: chr1-198718548-A-T.
Other names: c.2459A>T, p.Asp820Val (NM_080921.4); short protein forms D820V, D981V.
Identifiers: ClinVar variation 2001224 (VCV002001224.4), dbSNP rs1379051096, ClinGen allele CA344052968.
Genomic context (GRCh38, chr1:198,749,419, plus strand): 5'-ATGAAGAAGAAATTTAATTTTTTCAAGGAAGACTTACTACTGATTTATTTCACATAGATG[A>T]CTATAACAGAGTGCCACTTAAACATGAGCTGGAAATGAGTAAAGAGAGTGAGCATGATTC-3'
Protein context (NP_002829.3, residues 971-991): KNRNSNVIPY[Asp981Val]YNRVPLKHEL